The following is an entry in ClinVar:

NM_005076.5(CNTN2):c.383G>A (p.Arg128His)

Gene: CNTN2 (contactin 2; plus strand). Cytogenetic location: 1q32.1.
Variant type: single nucleotide variant.
Coding change: c.383G>A on transcript NM_005076.5 (MANE Select); coding-DNA position 383, G replaced by A.
Protein change: p.Arg128His; replaces arginine 128 with histidine.
Molecular consequence: missense variant. On other transcripts: non-coding transcript variant (1).
Genome position (GRCh38, 1-based): chr1:205,058,348, G>A. VCF-style: chr1-205058348-G-A. GRCh37 (hg19) VCF-style: chr1-205027476-G-A.
Other names: c.383G>A, p.Arg128His (NM_001346083.2); short protein forms R128H.
Identifiers: ClinVar variation 846016 (VCV000846016.7), dbSNP rs759086850, ClinGen allele CA1351001.

ClinVar aggregate classification (germline): Uncertain significance (1 of 4 stars; one submission).

Conditions:
Epilepsy, familial adult myoclonic, 5 (EPEO5). Also called: CORTICAL MYOCLONIC TREMOR WITH EPILEPSY, FAMILIAL, 5. Identifiers: Orphanet 86814, MedGen C3809374, MONDO:0014167, OMIM 615400.

Allele frequency attached by ClinVar (database versions not stated): ExAC 0.00001; gnomAD exomes 0.00001.
gnomAD v4.1: 10 of 1,526,382 alleles (0.00066%); highest among the groups gnomAD compares: South Asian, 0.0039%; no homozygotes.

Submission:

Labcorp Genetics (formerly Invitae), Labcorp
Classification: Uncertain significance for Epilepsy, familial adult myoclonic, 5. Last evaluated: 2022-07-05. Review status: criteria provided, single submitter. Criteria: Invitae Variant Classification Sherloc (09022015). Collection method: clinical testing. Allele origin: germline.
Comment: This sequence change replaces arginine, which is basic and polar, with histidine, which is basic and polar, at codon 128 of the CNTN2 protein (p.Arg128His). The frequency data for this variant in the population databases is considered unreliable, as metrics indicate poor data quality at this position in the gnomAD database. This variant has not been reported in the literature in individuals affected with CNTN2-related conditions. ClinVar contains an entry for this variant (Variation ID: 846016). Advanced modeling of protein sequence and biophysical properties (such as structural, functional, and spatial information, amino acid conservation, physicochemical variation, residue mobility, and thermodynamic stability) performed at Invitae indicates that this missense variant is not expected to disrupt CNTN2 protein function. In summary, the available evidence is currently insufficient to determine the role of this variant in disease. Therefore, it has been classified as a Variant of Uncertain Significance.